The following is an entry in ClinVar:

ClinVar aggregate classification (germline): Conflicting classifications of pathogenicity. Review status: criteria provided, conflicting classifications (1 of 4 stars). 4 submissions from 4 submitters: Uncertain significance (3); Likely benign (1). Last evaluated 2025-04-16.

Conditions:
Inborn genetic diseases. Identifiers: MedGen C0950123, MeSH D030342.
Idiopathic generalized epilepsy. Also called: Generalised epilepsy; EIG. Identifiers: MedGen C0270850, MONDO:0005579, OMIM 600669.
Epilepsy, idiopathic generalized, susceptibility to, 10. Identifiers: MedGen C2751603, MONDO:0013103, OMIM 613060.

Allele frequency attached by ClinVar (database versions not stated): TOPMed 0.00002; gnomAD 0.00003.
gnomAD v4.1: 30 of 1,607,878 alleles (0.0019%); highest among the groups gnomAD compares: Middle Eastern, 0.13%; no homozygotes.

Submissions (4):

ARUP Laboratories, Molecular Genetics and Genomics, ARUP Laboratories
Classification: Likely benign for Epilepsy, idiopathic generalized, susceptibility to, 10. Last evaluated: 2025-04-16. Review status: criteria provided, single submitter. Criteria: ARUP Molecular Germline Variant Investigation Process 2024. Collection method: clinical testing. Allele origin: germline.

Labcorp Genetics (formerly Invitae), Labcorp
Classification: Uncertain significance for Idiopathic generalized epilepsy. Last evaluated: 2025-03-29. Review status: criteria provided, single submitter. Criteria: Invitae Variant Classification Sherloc (09022015). Collection method: clinical testing. Allele origin: germline.
Comment: This sequence change replaces glycine, which is neutral and non-polar, with glutamic acid, which is acidic and polar, at codon 385 of the GABRD protein (p.Gly385Glu). This variant is present in population databases (rs753657631, gnomAD 0.007%). This variant has not been reported in the literature in individuals affected with GABRD-related conditions. ClinVar contains an entry for this variant (Variation ID: 664227). An algorithm developed to predict the effect of missense changes on protein structure and function (PolyPhen-2) suggests that this variant is likely to be tolerated. In summary, the available evidence is currently insufficient to determine the role of this variant in disease. Therefore, it has been classified as a Variant of Uncertain Significance.

Ambry Genetics
Classification: Uncertain significance for Inborn genetic diseases. Last evaluated: 2025-01-20. Review status: criteria provided, single submitter. Criteria: Ambry Variant Classification Scheme 2023. Collection method: clinical testing. Allele origin: germline.

Women's Health and Genetics/Laboratory Corporation of America, LabCorp
Classification: Uncertain significance. Last evaluated: 2025-01-15. Review status: criteria provided, single submitter. Criteria: LabCorp Variant Classification Summary - May 2015. Collection method: clinical testing. Allele origin: germline.
Comment: Variant summary: GABRD c.1154G>A (p.Gly385Glu) results in a non-conservative amino acid change in the encoded protein sequence. Three of five in-silico tools predict a benign effect of the variant on protein function. The variant allele was found at a frequency of 4.1e-05 in 241992 control chromosomes. This frequency is not significantly higher than estimated for a pathogenic variant in GABRD causing GABRD-Related Disorders, allowing no conclusion about variant significance. To our knowledge, no occurrence of c.1154G>A in individuals affected with GABRD-Related Disorders and no experimental evidence demonstrating its impact on protein function have been reported. ClinVar contains an entry for this variant (Variation ID: 664227). Based on the evidence outlined above, the variant was classified as uncertain significance.

NM_000815.5(GABRD):c.1154G>A (p.Gly385Glu)

Gene: GABRD (gamma-aminobutyric acid type A receptor subunit delta; plus strand). Cytogenetic location: 1p36.33.
Variant type: single nucleotide variant.
Coding change: c.1154G>A on transcript NM_000815.5 (MANE Select); coding-DNA position 1154, G replaced by A.
Protein change: p.Gly385Glu; replaces glycine 385 with glutamic acid.
Molecular consequence: missense variant.
Genome position (GRCh38, 1-based): chr1:2,030,077, G>A. VCF-style: chr1-2030077-G-A. GRCh37 (hg19) VCF-style: chr1-1961516-G-A.
Other names: short protein forms G385E.
Identifiers: ClinVar variation 664227 (VCV000664227.11), dbSNP rs753657631, ClinGen allele CA534935.